The following is an entry in ClinVar:

ClinVar aggregate classification (germline): Uncertain significance (1 of 4 stars; one submission).

Allele frequency attached by ClinVar (database versions not stated): gnomAD 0.00001; gnomAD exomes 0.00001; TOPMed 0.00001.
gnomAD v4.1: 19 of 1,613,698 alleles (0.0012%); highest among the groups gnomAD compares: Non-Finnish European, 0.0016%; no homozygotes.

Submission:

Labcorp Genetics (formerly Invitae), Labcorp
Classification: Uncertain significance. Last evaluated: 2024-04-29. Review status: criteria provided, single submitter. Criteria: Invitae Variant Classification Sherloc (09022015). Collection method: clinical testing. Allele origin: germline.
Comment: This sequence change replaces glutamic acid, which is acidic and polar, with aspartic acid, which is acidic and polar, at codon 270 of the DVL3 protein (p.Glu270Asp). This variant is not present in population databases (gnomAD no frequency). This variant has not been reported in the literature in individuals affected with DVL3-related conditions. ClinVar contains an entry for this variant (Variation ID: 1963964). An algorithm developed to predict the effect of missense changes on protein structure and function (PolyPhen-2) suggests that this variant is likely to be disruptive. In summary, the available evidence is currently insufficient to determine the role of this variant in disease. Therefore, it has been classified as a Variant of Uncertain Significance.

NM_004423.4(DVL3):c.810G>C (p.Glu270Asp)

Gene: DVL3 (dishevelled segment polarity protein 3; plus strand). Cytogenetic location: 3q27.1.
Variant type: single nucleotide variant.
Coding change: c.810G>C on transcript NM_004423.4 (MANE Select); coding-DNA position 810, G replaced by C.
Protein change: p.Glu270Asp; replaces glutamic acid 270 with aspartic acid.
Molecular consequence: missense variant.
Genome position (GRCh38, 1-based): chr3:184,166,172, G>C. VCF-style: chr3-184166172-G-C. GRCh37 (hg19) VCF-style: chr3-183883960-G-C.
Other names: short protein forms E270D.
Identifiers: ClinVar variation 1963964 (VCV001963964.5), dbSNP rs1714576139, ClinGen allele CA355408894.